The following is an entry in ClinVar:

NM_033517.1:c.2939G>C

Gene: SHANK3 (SH3 and multiple ankyrin repeat domains 3; plus strand).
Variant type: single nucleotide variant.
Other names: c.2939G>C (NM_033517.1).
Identifiers: ClinVar variation 4076875 (VCV004076875.1).

ClinVar aggregate classification (germline): Uncertain significance (1 of 4 stars; one submission).

Submission:

GeneDx
Classification: Uncertain significance. Last evaluated: 2025-02-20. Review status: criteria provided, single submitter. Criteria: GeneDx Variant Classification Process June 2021. Collection method: clinical testing. Allele origin: germline. Affected: yes.
Comment: Not observed at significant frequency in large population cohorts (gnomAD); In silico analysis indicates that this missense variant does not alter protein structure/function; Has not been previously published as pathogenic or benign to our knowledge